The following is an entry in ClinVar:

ClinVar aggregate classification (germline): Uncertain significance (1 of 4 stars; one submission).

Conditions:
Hereditary cancer-predisposing syndrome. Also called: Hereditary neoplastic syndrome; Neoplastic Syndromes, Hereditary; Tumor predisposition; Hereditary Cancer Syndrome. Identifiers: Orphanet 140162, MedGen C0027672, MeSH D009386, MONDO:0015356.

Submission:

Labcorp Genetics (formerly Invitae), Labcorp
Classification: Uncertain significance for Hereditary cancer-predisposing syndrome. Last evaluated: 2022-02-18. Review status: criteria provided, single submitter. Criteria: Invitae Variant Classification Sherloc (09022015). Collection method: clinical testing. Allele origin: germline.
Comment: This sequence change falls in intron 21 of the RAD50 gene. It does not directly change the encoded amino acid sequence of the RAD50 protein. In summary, the available evidence is currently insufficient to determine the role of this variant in disease. Therefore, it has been classified as a Variant of Uncertain Significance. Algorithms developed to predict the effect of sequence changes on RNA splicing suggest that this variant may create or strengthen a splice site. This variant has not been reported in the literature in individuals affected with RAD50-related conditions. This variant is not present in population databases (gnomAD no frequency).

NM_005732.4(RAD50):c.3390-9C>G

Genes: TH2LCRR (T helper type 2 locus control region associated RNA; minus strand), TH2-LCR (Th2 cytokine locus control region; plus strand), RAD50 (RAD50 double strand break repair protein; plus strand). Cytogenetic location: 5q31.1.
Variant type: single nucleotide variant.
Coding change: c.3390-9C>G on transcript NM_005732.4 (MANE Select); 9 bases into the intron before coding-DNA position 3390, C replaced by G.
Molecular consequence: intron variant.
Genome position (GRCh38, 1-based): chr5:132,637,106, C>G. VCF-style: chr5-132637106-C-G. GRCh37 (hg19) VCF-style: chr5-131972798-C-G.
Identifiers: ClinVar variation 2098297 (VCV002098297.4), dbSNP rs974787431, ClinGen allele CA2580072679.